The following is an entry in ClinVar:

NM_000243.3(MEFV):c.688G>T (p.Glu230Ter)

Gene: MEFV (MEFV innate immunity regulator, pyrin; minus strand). Cytogenetic location: 16p13.3.
Variant type: single nucleotide variant.
Coding change: c.688G>T on transcript NM_000243.3 (MANE Select); coding-DNA position 688, G replaced by T.
Protein change: p.Glu230Ter; replaces glutamic acid 230 with a stop codon.
Molecular consequence: nonsense. On other transcripts: intron variant (1).
Genome position (GRCh38, 1-based): chr16:3,254,380, C>A on the plus strand (G>T on the coding strand, the complement: MEFV is on the minus strand). VCF-style: chr16-3254380-C-A. GRCh37 (hg19) VCF-style: chr16-3304380-C-A.
Other names: c.277+1931G>T (NM_001198536.2); short protein forms E230*.
Identifiers: ClinVar variation 1386264 (VCV001386264.6), dbSNP rs104895080, ClinGen allele CA394478445.

ClinVar aggregate classification (germline): Uncertain significance (1 of 4 stars; one submission).

Conditions:
Familial Mediterranean fever (FMF). Also called: Periodic peritonitis; Benign paroxysmal peritonitis; POLYSEROSITIS, FAMILIAL PAROXYSMAL; POLYSEROSITIS, RECURRENT. Identifiers: Orphanet 342, MedGen C0031069, MONDO:0018088, OMIM 249100. Disease mechanism: gain of function.

Submission:

Labcorp Genetics (formerly Invitae), Labcorp
Classification: Uncertain significance for Familial Mediterranean fever. Last evaluated: 2025-01-13. Review status: criteria provided, single submitter. Criteria: Invitae Variant Classification Sherloc (09022015). Collection method: clinical testing. Allele origin: germline.
Comment: This sequence change creates a premature translational stop signal (p.Glu230*) in the MEFV gene. It is expected to result in an absent or disrupted protein product. However, the current clinical and genetic evidence is not sufficient to establish whether loss-of-function variants in MEFV cause disease. This variant is not present in population databases (gnomAD no frequency). This variant has not been reported in the literature in individuals affected with MEFV-related conditions. ClinVar contains an entry for this variant (Variation ID: 1386264). In summary, the available evidence is currently insufficient to determine the role of this variant in disease. Therefore, it has been classified as a Variant of Uncertain Significance.